The following is an entry in ClinVar:

ClinVar aggregate classification (germline): Likely benign (0 of 4 stars; one submission).

Conditions:
ANGPT1-related disorder. Also called: ANGPT1-related condition.

Submission:

PreventionGenetics, part of Exact Sciences
Classification: Likely benign for ANGPT1-related condition. Last evaluated: 2023-11-30. Review status: no assertion criteria provided. Collection method: clinical testing. Allele origin: germline.
Comment: This variant is classified as likely benign based on ACMG/AMP sequence variant interpretation guidelines (Richards et al. 2015 PMID: 25741868, with internal and published modifications).

NM_001146.5(ANGPT1):c.490C>T (p.Leu164=)

Gene: ANGPT1 (angiopoietin 1; minus strand). Cytogenetic location: 8q23.1.
Variant type: single nucleotide variant.
Coding change: c.490C>T on transcript NM_001146.5 (MANE Select); coding-DNA position 490, C replaced by T.
Protein change: p.Leu164=; no amino-acid change (leucine 164 retained).
Molecular consequence: synonymous variant. On other transcripts: 5 prime UTR variant (1).
Genome position (GRCh38, 1-based): chr8:107,336,235, G>A on the plus strand (C>T on the coding strand, the complement: ANGPT1 is on the minus strand). VCF-style: chr8-107336235-G-A. GRCh37 (hg19) VCF-style: chr8-108348463-G-A.
Other names: c.490C>T, p.Leu164= (NM_001199859.3); c.-111C>T (NM_001314051.2).
Identifiers: ClinVar variation 3030941 (VCV003030941.2), dbSNP rs1815556456, ClinGen allele CA462549355.